The following is an entry in ClinVar:

ClinVar aggregate classification (germline): Uncertain significance. Review status: criteria provided, multiple submitters, no conflicts (2 of 4 stars). 2 submissions from 2 submitters: Uncertain significance (2). Last evaluated 2026-07-04.

Conditions:
Cardiovascular phenotype. Identifiers: MedGen CN230736.

gnomAD v4.1: 2 of 1,611,400 alleles (0.00012%); highest among the groups gnomAD compares: Non-Finnish European, 0.00017%; no homozygotes.

Submissions (2):

Ambry Genetics
Classification: Uncertain significance for Cardiovascular phenotype. Last evaluated: 2026-07-04. Review status: criteria provided, single submitter. Criteria: Ambry Variant Classification Scheme 2023. Collection method: clinical testing. Allele origin: germline.
Comment: The p.C745W variant (also known as c.2235C>G), located in coding exon 2 of the TNXB gene, results from a C to G substitution at nucleotide position 2235. The cysteine at codon 745 is replaced by tryptophan, an amino acid with highly dissimilar properties. This amino acid position is conserved. In addition, this alteration is predicted to be tolerated by in silico analysis. Based on the available evidence, the clinical significance of this variant remains unclear.

Women's Health and Genetics/Laboratory Corporation of America, LabCorp
Classification: Uncertain significance. Last evaluated: 2025-01-27. Review status: criteria provided, single submitter. Criteria: LabCorp Variant Classification Summary - May 2015. Collection method: clinical testing. Allele origin: germline.
Comment: Variant summary: TNXB c.2235C>G (p.Cys745Trp) results in a non-conservative amino acid change located in the Epidermal growth factor-like domain (IPR000742) of the encoded protein sequence. Four of five in-silico tools predict a damaging effect of the variant on protein function. The variant was absent in 247564 control chromosomes. The available data on variant occurrences in the general population are insufficient to allow any conclusion about variant significance. To our knowledge, no occurrence of c.2235C>G in individuals affected with Ehlers-Danlos syndrome due to tenascin-X deficiency and no experimental evidence demonstrating its impact on protein function have been reported. No submitters have cited clinical-significance assessments for this variant to ClinVar. Based on the evidence outlined above, the variant was classified as uncertain significance.

NM_001365276.2(TNXB):c.2235C>G (p.Cys745Trp)

Gene: TNXB (tenascin XB; minus strand). Cytogenetic location: 6p21.33.
Variant type: single nucleotide variant.
Coding change: c.2235C>G on transcript NM_001365276.2 (MANE Select); coding-DNA position 2235, C replaced by G.
Protein change: p.Cys745Trp; replaces cysteine 745 with tryptophan.
Molecular consequence: missense variant.
Genome position (GRCh38, 1-based): chr6:32,095,618, G>C on the plus strand (C>G on the coding strand, the complement: TNXB is on the minus strand). VCF-style: chr6-32095618-G-C. GRCh37 (hg19) VCF-style: chr6-32063395-G-C.
Other names: c.2235C>G (NM_019105.6); c.2235C>G, p.Cys745Trp (NM_001428335.1, NM_019105.8); short protein forms C745W.
Identifiers: ClinVar variation 3769424 (VCV003769424.3).